The following is an entry in ClinVar:

NM_000188.3(HK1):c.169C>A (p.Pro57Thr)

Gene: HK1 (hexokinase 1; plus strand). Cytogenetic location: 10q22.1.
Variant type: single nucleotide variant.
Coding change: c.169C>A on transcript NM_000188.3 (MANE Select); coding-DNA position 169, C replaced by A.
Protein change: p.Pro57Thr; replaces proline 57 with threonine.
Molecular consequence: missense variant.
Genome position (GRCh38, 1-based): chr10:69,343,932, C>A. VCF-style: chr10-69343932-C-A. GRCh37 (hg19) VCF-style: chr10-71103688-C-A.
Other names: c.181C>A, p.Pro61Thr (NM_001322364.2, NM_001358263.1, NM_033497.3 and 1 more transcripts); c.274C>A, p.Pro92Thr (NM_001322365.2); c.85C>A, p.Pro29Thr (NM_001322366.1); c.169C>A, p.Pro57Thr (NM_001322367.1); c.166C>A, p.Pro56Thr (NM_033496.3); c.133C>A, p.Pro45Thr (NM_033500.2); short protein forms P45T, P61T, P29T, P57T, P56T, P92T.
Identifiers: ClinVar variation 1500586 (VCV001500586.6), dbSNP rs752650609, ClinGen allele CA376907556.
Genomic context (GRCh38, chr10:69,343,932, plus strand): 5'-ATAGATATCATGACTCGCTTCAGGAAGGAGATGAAGAATGGCCTCTCCCGGGATTTTAAT[C>A]CAACAGCCACAGTCAAGATGTTGCCAACATTCGTAAGGTCCATTCCTGATGGCTCTGGTA-3'
Protein context (NP_000179.2, residues 47-67): MKNGLSRDFN[Pro57Thr]TATVKMLPTF

ClinVar aggregate classification (germline): Uncertain significance (1 of 4 stars; one submission).

gnomAD v4.1: 4 of 1,614,054 alleles (0.00025%); highest among the groups gnomAD compares: Admixed American, 0.0017%; no homozygotes.

Submission:

Labcorp Genetics (formerly Invitae), Labcorp
Classification: Uncertain significance. Last evaluated: 2022-11-22. Review status: criteria provided, single submitter. Criteria: Invitae Variant Classification Sherloc (09022015). Collection method: clinical testing. Allele origin: germline.
Comment: In summary, the available evidence is currently insufficient to determine the role of this variant in disease. Therefore, it has been classified as a Variant of Uncertain Significance. Advanced modeling of protein sequence and biophysical properties (such as structural, functional, and spatial information, amino acid conservation, physicochemical variation, residue mobility, and thermodynamic stability) performed at Invitae indicates that this missense variant is not expected to disrupt HK1 protein function. ClinVar contains an entry for this variant (Variation ID: 1500586). This variant has not been reported in the literature in individuals affected with HK1-related conditions. This variant is present in population databases (no rsID available, gnomAD 0.0009%). This sequence change replaces proline, which is neutral and non-polar, with threonine, which is neutral and polar, at codon 57 of the HK1 protein (p.Pro57Thr).